The following is an entry in ClinVar:

NM_052947.4(ALPK2):c.674A>G (p.Glu225Gly)

Gene: ALPK2 (alpha kinase 2; minus strand). Cytogenetic location: 18q21.31.
Variant type: single nucleotide variant.
Coding change: c.674A>G on transcript NM_052947.4 (MANE Select); coding-DNA position 674, A replaced by G.
Protein change: p.Glu225Gly; replaces glutamic acid 225 with glycine.
Molecular consequence: missense variant.
Genome position (GRCh38, 1-based): chr18:58,580,102, T>C on the plus strand (A>G on the coding strand, the complement: ALPK2 is on the minus strand). VCF-style: chr18-58580102-T-C. GRCh37 (hg19) VCF-style: chr18-56247334-T-C.
Other names: short protein forms E225G.
Identifiers: ClinVar variation 2497264 (VCV002497264.2), dbSNP rs2518899970, ClinGen allele CA402567465.
Genomic context (GRCh38, chr18:58,580,102, plus strand): 5'-CCATCCGTGAACTTTGATGCCATGGAATGCACTGTCTTGTGGCAACATCTGTCTTGTTTT[T>C]CATAAATATGACTTGAATTAAGAAAAAGCAACCCATTTGCAATTTCTTCTGTGTTACTTG-3'
Protein context (NP_443179.3, residues 215-235): LLFLNSSHIY[Glu225Gly]KQDRCCHKTV

ClinVar aggregate classification (germline): Uncertain significance (1 of 4 stars; one submission).

Allele frequency attached by ClinVar (database versions not stated): gnomAD exomes below 0.00001.

Submission:

Ambry Genetics
Classification: Uncertain significance. Last evaluated: 2022-11-06. Review status: criteria provided, single submitter. Criteria: Ambry Variant Classification Scheme 2023. Collection method: clinical testing. Allele origin: germline.
Comment: The p.E225G variant (also known as c.674A>G), located in coding exon 3 of the ALPK2 gene, results from an A to G substitution at nucleotide position 674. The glutamic acid at codon 225 is replaced by glycine, an amino acid with similar properties. This amino acid position is conserved. In addition, this alteration is predicted to be tolerated by in silico analysis. Since supporting evidence is limited at this time, the clinical significance of this alteration remains unclear.